The following is an entry in ClinVar:

NM_005956.4(MTHFD1):c.341T>C (p.Val114Ala)

Gene: MTHFD1 (methylenetetrahydrofolate dehydrogenase, cyclohydrolase and formyltetrahydrofolate synthetase 1; plus strand). Cytogenetic location: 14q23.3.
Variant type: single nucleotide variant.
Coding change: c.341T>C on transcript NM_005956.4 (MANE Select); coding-DNA position 341, T replaced by C.
Protein change: p.Val114Ala; replaces valine 114 with alanine.
Molecular consequence: missense variant.
Genome position (GRCh38, 1-based): chr14:64,415,458, T>C. VCF-style: chr14-64415458-T-C. GRCh37 (hg19) VCF-style: chr14-64882176-T-C.
Other names: c.341T>C, p.Val114Ala (NM_001364837.1); short protein forms V114A.
Identifiers: ClinVar variation 1391308 (VCV001391308.3), dbSNP rs757985878, ClinGen allele CA7225904.

ClinVar aggregate classification (germline): Uncertain significance (1 of 4 stars; one submission).

Allele frequency attached by ClinVar (database versions not stated): ExAC 0.00002; gnomAD exomes 0.00002 and 0.00003; gnomAD 0.00003; TOPMed 0.00005.
gnomAD v4.1: 28 of 1,614,000 alleles (0.0017%); highest among the groups gnomAD compares: African/African-American, 0.012%; no homozygotes.

Submission:

Labcorp Genetics (formerly Invitae), Labcorp
Classification: Uncertain significance. Last evaluated: 2022-07-12. Review status: criteria provided, single submitter. Criteria: Invitae Variant Classification Sherloc (09022015). Collection method: clinical testing. Allele origin: germline.
Comment: This sequence change replaces valine, which is neutral and non-polar, with alanine, which is neutral and non-polar, at codon 114 of the MTHFD1 protein (p.Val114Ala). This variant is present in population databases (rs757985878, gnomAD 0.008%). This variant has not been reported in the literature in individuals affected with MTHFD1-related conditions. ClinVar contains an entry for this variant (Variation ID: 1391308). Algorithms developed to predict the effect of missense changes on protein structure and function are either unavailable or do not agree on the potential impact of this missense change (SIFT: "Deleterious"; PolyPhen-2: "Benign"; Align-GVGD: "Class C25"). In summary, the available evidence is currently insufficient to determine the role of this variant in disease. Therefore, it has been classified as a Variant of Uncertain Significance.